The following is an entry in ClinVar:

NM_001288705.3(CSF1R):c.307+3G>T

Gene: CSF1R (colony stimulating factor 1 receptor; minus strand). Cytogenetic location: 5q32.
Variant type: single nucleotide variant.
Coding change: c.307+3G>T on transcript NM_001288705.3 (MANE Select); 3 bases into the intron after coding-DNA position 307, G replaced by T.
Molecular consequence: intron variant.
Genome position (GRCh38, 1-based): chr5:150,080,764, C>A on the plus strand (G>T on the coding strand, the complement: CSF1R is on the minus strand). VCF-style: chr5-150080764-C-A. GRCh37 (hg19) VCF-style: chr5-149460327-C-A.
Other names: c.-138+3G>T (NM_001375321.1); c.307+3G>T (NM_005211.4, NM_001375320.1, NM_001349736.2).
Identifiers: ClinVar variation 1501495 (VCV001501495.6), dbSNP rs779207967, ClinGen allele CA563956241.

ClinVar aggregate classification (germline): Uncertain significance (1 of 4 stars; one submission).

Allele frequency attached by ClinVar (database versions not stated): gnomAD 0.00001.
gnomAD v4.1: 4 of 1,613,954 alleles (0.00025%); highest among the groups gnomAD compares: Non-Finnish European, 0.00034%; no homozygotes.

Submission:

Labcorp Genetics (formerly Invitae), Labcorp
Classification: Uncertain significance. Last evaluated: 2024-10-30. Review status: criteria provided, single submitter. Criteria: Invitae Variant Classification Sherloc (09022015). Collection method: clinical testing. Allele origin: germline.
Comment: This sequence change falls in intron 3 of the CSF1R gene. It does not directly change the encoded amino acid sequence of the CSF1R protein. It affects a nucleotide within the consensus splice site. This variant is present in population databases (no rsID available, gnomAD 0.007%). This variant has not been reported in the literature in individuals affected with CSF1R-related conditions. ClinVar contains an entry for this variant (Variation ID: 1501495). Variants that disrupt the consensus splice site are a relatively common cause of aberrant splicing (PMID: 17576681, 9536098). Algorithms developed to predict the effect of sequence changes on RNA splicing suggest that this variant is not likely to affect RNA splicing. In summary, the available evidence is currently insufficient to determine the role of this variant in disease. Therefore, it has been classified as a Variant of Uncertain Significance.

Literature cited by the submitters: PubMed 17576681; PubMed 9536098.